The following is an entry in ClinVar:

ClinVar aggregate classification (germline): Likely benign (1 of 4 stars; one submission).

Submission:

CeGaT Center for Human Genetics Tuebingen
Classification: Likely benign. Last evaluated: 2025-06-01. Review status: criteria provided, single submitter. Criteria: CeGaT Center For Human Genetics Tuebingen Variant Classification Criteria Version 2. Collection method: clinical testing. Allele origin: germline. Affected: yes. Observed: 1 variant allele.
Comment: HERC1: PM2:Supporting, BP4, BP7

NM_003922.4(HERC1):c.9702C>T (p.Gly3234=)

Gene: HERC1 (HECT and RLD domain containing E3 ubiquitin protein ligase family member 1; minus strand). Cytogenetic location: 15q22.31.
Variant type: single nucleotide variant.
Coding change: c.9702C>T on transcript NM_003922.4 (MANE Select); coding-DNA position 9702, C replaced by T.
Protein change: p.Gly3234=; no amino-acid change (glycine 3234 retained).
Molecular consequence: synonymous variant.
Genome position (GRCh38, 1-based): chr15:63,656,256, G>A on the plus strand (C>T on the coding strand, the complement: HERC1 is on the minus strand). VCF-style: chr15-63656256-G-A. GRCh37 (hg19) VCF-style: chr15-63948455-G-A.
Identifiers: ClinVar variation 4085207 (VCV004085207.8).